The following is an entry in ClinVar:

NC_000010.10:g.(?_90974585)_(90988175_?)del

Gene: LIPA (lipase A, lysosomal acid type; minus strand). Cytogenetic location: 10q23.31.
Variant type: Deletion.
Identifiers: ClinVar variation 3244813 (VCV003244813.1).

ClinVar aggregate classification (germline): Pathogenic (1 of 4 stars; one submission).

Conditions:
Wolman disease (WOLD). Also called: LYSOSOMAL ACID LIPASE DEFICIENCY, ACUTE INFANTILE; LYSOSOMAL ACID LIPASE DEFICIENCY, COMPLETE; LIPA DEFICIENCY, COMPLETE; LAL DEFICIENCY, COMPLETE; CHOLESTEROL ESTER HYDROLASE DEFICIENCY, COMPLETE; Acid cholesteryl ester hydrolase deficiency, Wolman type. Identifiers: Orphanet 75233, MedGen C0043208, MONDO:0019148, OMIM 620151.

Submission:

Labcorp Genetics (formerly Invitae), Labcorp
Classification: Pathogenic for Wolman disease. Last evaluated: 2023-04-17. Review status: criteria provided, single submitter. Criteria: Invitae Variant Classification Sherloc (09022015). Collection method: clinical testing. Allele origin: unknown.
Comment: For these reasons, this variant has been classified as Pathogenic. This variant disrupts a region of the LIPA protein in which other variant(s) (p.Leu357Pro) have been determined to be pathogenic (PMID: 7499245, 7773732, 31131398, 31180157). This suggests that this is a clinically significant region of the protein, and that variants that disrupt it are likely to be disease-causing. This variant has not been reported in the literature in individuals affected with LIPA-related conditions. This variant is a gross deletion of the genomic region encompassing exon(s) 4-10 of the LIPA gene, which includes the termination codon. This deletion extends beyond the assayed region for this gene and therefore may encompass additional genes. While this deletion is not anticipated to lead to nonsense mediated decay, it is expected to alter mRNA translation or result in a truncated protein product.

Literature cited by the submitters: PubMed 7499245; PubMed 7773732; PubMed 31131398; PubMed 31180157.